The following is an entry in ClinVar:

ClinVar aggregate classification (germline): Uncertain significance (1 of 4 stars; one submission).

Allele frequency attached by ClinVar (database versions not stated): gnomAD exomes below 0.00001; TOPMed below 0.00001.
gnomAD v4.1: 1 of 1,516,868 alleles (0.000066%); highest among the groups gnomAD compares: African/African-American, 0.0014%; no homozygotes.

Submission:

CeGaT Center for Human Genetics Tuebingen
Classification: Uncertain significance. Last evaluated: 2023-01-01. Review status: criteria provided, single submitter. Criteria: CeGaT Center For Human Genetics Tuebingen Variant Classification Criteria Version 2. Collection method: clinical testing. Allele origin: germline. Affected: yes. Observed: 1 variant allele.
Comment: KDM3B: PM2

NM_016604.4(KDM3B):c.2564T>C (p.Leu855Pro)

Gene: KDM3B (lysine demethylase 3B; plus strand). Cytogenetic location: 5q31.2.
Variant type: single nucleotide variant.
Coding change: c.2564T>C on transcript NM_016604.4 (MANE Select); coding-DNA position 2564, T replaced by C.
Protein change: p.Leu855Pro; replaces leucine 855 with proline.
Molecular consequence: missense variant.
Genome position (GRCh38, 1-based): chr5:138,392,196, T>C. VCF-style: chr5-138392196-T-C. GRCh37 (hg19) VCF-style: chr5-137727885-T-C.
Other names: short protein forms L855P.
Identifiers: ClinVar variation 2498980 (VCV002498980.28), dbSNP rs1762451955, ClinGen allele CA361110446.